The following is an entry in ClinVar:

NM_000288.4(PEX7):c.46_47del (p.Gly16fs)

Gene: PEX7 (peroxisomal biogenesis factor 7; plus strand). Cytogenetic location: 6q23.3.
Variant type: Deletion.
Coding change: c.46_47del on transcript NM_000288.4 (MANE Select); coding-DNA positions 46 to 47, 2 bases deleted (GG; older notation c.46_47delGG).
Protein change: p.Gly16fs; shifts the reading frame from glycine 16.
Molecular consequence: frameshift variant.
Genome position (GRCh38, 1-based): chr6:136,822,711-136,822,712, GG deleted; deleting any 2 consecutive bases within chr6:136,822,710-136,822,712 gives the same sequence; the c. name uses the placement nearest the transcript's 3' end. VCF-style (leftmost placement, unchanged base first): chr6-136822709-CGG-C. GRCh37 (hg19) VCF-style: chr6-137143847-CGG-C.
Other names: short protein forms G16fs.
Identifiers: ClinVar variation 1723995 (VCV001723995.2), dbSNP rs2548068762, ClinGen allele CA2580075086.

ClinVar aggregate classification (germline): Likely pathogenic (1 of 4 stars; one submission).

Conditions:
Rhizomelic chondrodysplasia punctata type 1 (RCDP1). Also called: PEROXISOME BIOGENESIS DISORDER 9; CHONDRODYSTROPHIA CALCIFICANS PUNCTATA; PEX7-Related Rhizomelic Chondrodysplasia Punctata. Identifiers: Orphanet 177, Orphanet 309789, MedGen C1859133, MONDO:0008972, OMIM 215100. Disease mechanism: loss of function.

Submission:

Myriad Genetics, Inc.
Classification: Likely pathogenic for Rhizomelic chondrodysplasia punctata type 1. Last evaluated: 2022-01-23. Review status: criteria provided, single submitter. Criteria: Myriad Women's Health Autosomal Recessive and X-Linked Classification Criteria (2021). Collection method: clinical testing. Allele origin: unknown.
Comment: NM_000288.3(PEX7):c.46_47delGG(G16Tfs*39) is expected to be pathogenic in the context of rhizomelic chondrodysplasia punctata type 1. This variant is predicted to lead to an abnormal or absent protein product due to the creation of a premature termination codon in PEX7, a gene where loss-of-function variants are known to be pathogenic. Please note: this variant was assessed in the context of healthy population screening.